The following is an entry in ClinVar:

NM_014946.4(SPAST):c.302C>A (p.Ser101Ter)

Gene: SPAST (spastin; plus strand). Cytogenetic location: 2p22.3.
Variant type: single nucleotide variant.
Coding change: c.302C>A on transcript NM_014946.4 (MANE Select); coding-DNA position 302, C replaced by A.
Protein change: p.Ser101Ter; replaces serine 101 with a stop codon.
Molecular consequence: nonsense.
Genome position (GRCh38, 1-based): chr2:32,064,133, C>A. VCF-style: chr2-32064133-C-A. GRCh37 (hg19) VCF-style: chr2-32289202-C-A.
Other names: c.302C>A, p.Ser101Ter (NM_001363823.2, NM_001363875.2, NM_001377959.1 and 1 more transcripts); short protein forms S101*.
Identifiers: ClinVar variation 959690 (VCV000959690.12), dbSNP rs746263735, ClinGen allele CA346602193.

ClinVar aggregate classification (germline): Pathogenic/Likely pathogenic. Review status: criteria provided, multiple submitters, no conflicts (2 of 4 stars). 4 submissions from 4 submitters: Pathogenic (3); Likely pathogenic (1). Last evaluated 2024-08-29.

Conditions:
Hereditary spastic paraplegia 4. Also called: Spastic paraplegia 4, autosomal dominant; Spastic Paraplegia 4; Familial spastic paraplegia autosomal dominant 2. Identifiers: Orphanet 100985, MedGen C1866855, MONDO:0008438, OMIM 182601.

Submissions (4):

3billion
Classification: Pathogenic for Hereditary spastic paraplegia 4. Last evaluated: 2024-08-29. Review status: criteria provided, single submitter. Criteria: ACMG Guidelines, 2015. Collection method: clinical testing. Allele origin: germline. Affected: yes.
Comment: The variant is not observed in the gnomAD v4.0.0 dataset. Predicted Consequence/Location: Stop-gained (nonsense): predicted to result in a loss or disruption of normal protein function through nonsense-mediated decay (NMD) or protein truncation. Multiple pathogenic variants are reported downstream of the variant. The variant has been reported at least twice as pathogenic with clinical assertions and evidence for the classification (ClinVar ID: VCV000959690). Therefore, this variant is classified as Pathogenic according to the recommendation of ACMG/AMP guideline.

Labcorp Genetics (formerly Invitae), Labcorp
Classification: Pathogenic for Hereditary spastic paraplegia 4. Last evaluated: 2022-09-27. Review status: criteria provided, single submitter. Criteria: Invitae Variant Classification Sherloc (09022015). Collection method: clinical testing. Allele origin: germline.
Comment: This variant has not been reported in the literature in individuals affected with SPAST-related conditions. This variant is not present in population databases (gnomAD no frequency). This sequence change creates a premature translational stop signal (p.Ser101*) in the SPAST gene. It is expected to result in an absent or disrupted protein product. Loss-of-function variants in SPAST are known to be pathogenic (PMID: 20932283). For these reasons, this variant has been classified as Pathogenic. ClinVar contains an entry for this variant (Variation ID: 959690).

MGZ Medical Genetics Center
Classification: Likely pathogenic for Hereditary spastic paraplegia 4. Last evaluated: 2022-03-24. Review status: criteria provided, single submitter. Criteria: ACMG Guidelines, 2015. Collection method: clinical testing. Allele origin: germline. Affected: yes. Observed: 1 variant allele.
Comment: ACMG criteria applied: PVS1, PM2_SUP

Institute of Medical Genetics and Applied Genomics, University Hospital Tübingen
Classification: Pathogenic. Last evaluated: 2021-02-01. Review status: criteria provided, single submitter. Criteria: ACMG Guidelines, 2015. Collection method: clinical testing. Allele origin: germline. Inheritance: Autosomal dominant inheritance. Affected: yes.

Literature cited by the submitters: PubMed 20932283 (cited by Labcorp Genetics (formerly Invitae), Labcorp).